The following is an entry in ClinVar:

ClinVar aggregate classification (germline): Uncertain significance. Review status: criteria provided, multiple submitters, no conflicts (2 of 4 stars). 4 submissions from 4 submitters: Uncertain significance (4). Last evaluated 2026-01-26.

Conditions:
Inborn genetic diseases. Identifiers: MedGen C0950123, MeSH D030342.
ABCA4-related disorder. Also called: ABCA4-related disorders; ABCA4-related condition. Identifiers: MedGen CN239167.

Allele frequency attached by ClinVar (database versions not stated): gnomAD 0.00003; TOPMed 0.00005.
gnomAD v4.1: 33 of 1,614,054 alleles (0.002%); highest among the groups gnomAD compares: Admixed American, 0.05%; no homozygotes.

Submissions (4):

Labcorp Genetics (formerly Invitae), Labcorp
Classification: Uncertain significance. Last evaluated: 2026-01-26. Review status: criteria provided, single submitter. Criteria: Invitae Variant Classification Sherloc (09022015). Collection method: clinical testing. Allele origin: germline.
Comment: This sequence change replaces glutamic acid, which is acidic and polar, with lysine, which is basic and polar, at codon 1666 of the ABCA4 protein (p.Glu1666Lys). This variant is present in population databases (rs773880325, gnomAD 0.07%). This variant has not been reported in the literature in individuals affected with ABCA4-related conditions. ClinVar contains an entry for this variant (Variation ID: 1013982). Invitae Evidence Modeling of protein sequence and biophysical properties (such as structural, functional, and spatial information, amino acid conservation, physicochemical variation, residue mobility, and thermodynamic stability) has been performed for this missense variant. However, the output from this modeling did not meet the statistical confidence thresholds required to predict the impact of this variant on ABCA4 protein function. In summary, the available evidence is currently insufficient to determine the role of this variant in disease. Therefore, it has been classified as a Variant of Uncertain Significance.

Ambry Genetics
Classification: Uncertain significance for Inborn genetic diseases. Last evaluated: 2025-11-19. Review status: criteria provided, single submitter. Criteria: Ambry Variant Classification Scheme 2023. Collection method: clinical testing. Allele origin: germline.

PreventionGenetics, part of Exact Sciences
Classification: Uncertain significance for ABCA4-related condition. Last evaluated: 2025-07-17. Review status: criteria provided, single submitter. Criteria: ACMG Guidelines, 2015. Collection method: clinical testing. Allele origin: germline.
Comment: The ABCA4 c.4996G>A variant is predicted to result in the amino acid substitution p.Glu1666Lys. To our knowledge, this variant has not been reported in the literature. This variant is present in 0.064% of alleles in individuals of Latino descent in gnomAD. At this time, the clinical significance of this variant is uncertain due to the absence of conclusive functional and genetic evidence.

Blueprint Genetics
Classification: Uncertain significance. Last evaluated: 2021-03-10. Review status: criteria provided, single submitter. Criteria: ACMG Guidelines, 2015. Collection method: clinical testing. Allele origin: germline.

NM_000350.3(ABCA4):c.4996G>A (p.Glu1666Lys)

Genes: ABCA4 (ATP binding cassette subfamily A member 4; minus strand), LOC126805793 (CDK7 strongly-dependent group 2 enhancer GRCh37_chr1:94486302-94487501; plus strand). Cytogenetic location: 1p22.1.
Variant type: single nucleotide variant.
Coding change: c.4996G>A on transcript NM_000350.3 (MANE Select); coding-DNA position 4996, G replaced by A.
Protein change: p.Glu1666Lys; replaces glutamic acid 1666 with lysine.
Molecular consequence: missense variant.
Genome position (GRCh38, 1-based): chr1:94,021,262, C>T on the plus strand (G>A on the coding strand, the complement: ABCA4 is on the minus strand). VCF-style: chr1-94021262-C-T. GRCh37 (hg19) VCF-style: chr1-94486818-C-T.
Other names: c.4996G>A (NM_000350.2); c.4774G>A, p.Glu1592Lys (NM_001425324.1); short protein forms E1666K, E1592K.
Identifiers: ClinVar variation 1013982 (VCV001013982.8), dbSNP rs773880325, ClinGen allele CA957415.